The following is an entry in ClinVar:

ClinVar aggregate classification (germline): Uncertain significance. Review status: criteria provided, multiple submitters, no conflicts (2 of 4 stars). 2 submissions from 2 submitters: Uncertain significance (2). Last evaluated 2025-12-16.

Conditions:
Cardiovascular phenotype. Identifiers: MedGen CN230736.

Submissions (2):

Ambry Genetics
Classification: Uncertain significance for Cardiovascular phenotype. Last evaluated: 2025-12-16. Review status: criteria provided, single submitter. Criteria: Ambry Variant Classification Scheme 2023. Collection method: clinical testing. Allele origin: germline.
Comment: The p.T92A variant (also known as c.274A>G), located in coding exon 4 of the EYA4 gene, results from an A to G substitution at nucleotide position 274. The threonine at codon 92 is replaced by alanine, an amino acid with similar properties. This amino acid position is conserved. In addition, this alteration is predicted to be tolerated by in silico analysis. Since supporting evidence is limited at this time, the clinical significance of this alteration remains unclear.

GeneDx
Classification: Uncertain significance. Last evaluated: 2022-03-09. Review status: criteria provided, single submitter. Criteria: GeneDx Variant Classification Process June 2021. Collection method: clinical testing. Allele origin: germline. Affected: yes.
Comment: Not observed at significant frequency in large population cohorts (gnomAD); In silico analysis supports that this missense variant does not alter protein structure/function; Has not been previously published as pathogenic or benign to our knowledge

NM_004100.5(EYA4):c.274A>G (p.Thr92Ala)

Gene: EYA4 (EYA transcriptional coactivator and phosphatase 4; plus strand). Cytogenetic location: 6q23.2.
Variant type: single nucleotide variant.
Coding change: c.274A>G on transcript NM_004100.5 (MANE Select); coding-DNA position 274, A replaced by G.
Protein change: p.Thr92Ala; replaces threonine 92 with alanine.
Molecular consequence: missense variant. On other transcripts: intron variant (4).
Genome position (GRCh38, 1-based): chr6:133,448,176, A>G. VCF-style: chr6-133448176-A-G. GRCh37 (hg19) VCF-style: chr6-133769314-A-G.
Other names: c.274A>G, p.Thr92Ala (NM_001301013.2, NM_172105.4); c.208+1422A>G (NM_001370458.1, NM_172103.4, NM_001370459.1 and 1 more transcripts); short protein forms T92A.
Identifiers: ClinVar variation 1704846 (VCV001704846.4), dbSNP rs1422243347, ClinGen allele CA365838318.